The following is an entry in ClinVar:

ClinVar aggregate classification (germline): Uncertain significance (1 of 4 stars; one submission).

Conditions:
Inborn genetic diseases. Identifiers: MedGen C0950123, MeSH D030342.

Allele frequency attached by ClinVar (database versions not stated): gnomAD exomes below 0.00001.
gnomAD v4.1: 1 of 1,613,098 alleles (0.000062%); highest among the groups gnomAD compares: Non-Finnish European, 0.000085%; no homozygotes.

Submission:

Ambry Genetics
Classification: Uncertain significance for Inborn genetic diseases. Last evaluated: 2022-11-25. Review status: criteria provided, single submitter. Criteria: Ambry Variant Classification Scheme 2023. Collection method: clinical testing. Allele origin: germline.
Comment: The p.E462Q variant (also known as c.1384G>C), located in coding exon 10 of the BUB1B gene, results from a G to C substitution at nucleotide position 1384. The glutamic acid at codon 462 is replaced by glutamine, an amino acid with highly similar properties. This amino acid position is conserved. In addition, this alteration is predicted to be tolerated by in silico analysis. Since supporting evidence is limited at this time, the clinical significance of this alteration remains unclear.

NM_001211.6(BUB1B):c.1384G>C (p.Glu462Gln)

Gene: BUB1B (BUB1 mitotic checkpoint serine/threonine kinase B; plus strand). Cytogenetic location: 15q15.1.
Variant type: single nucleotide variant.
Coding change: c.1384G>C on transcript NM_001211.6 (MANE Select); coding-DNA position 1384, G replaced by C.
Protein change: p.Glu462Gln; replaces glutamic acid 462 with glutamine.
Molecular consequence: missense variant.
Genome position (GRCh38, 1-based): chr15:40,199,710, G>C. VCF-style: chr15-40199710-G-C. GRCh37 (hg19) VCF-style: chr15-40491911-G-C.
Other names: short protein forms E462Q.
Identifiers: ClinVar variation 2497653 (VCV002497653.2), dbSNP rs2542555007, ClinGen allele CA391689200.